The following is an entry in ClinVar:

ClinVar aggregate classification (germline): Pathogenic. Review status: criteria provided, single submitter (1 of 4 stars). 2 submissions from 1 submitter: Pathogenic (2). Last evaluated 2017-06-05.

Conditions:
Fanconi anemia complementation group J. Also called: BRIP1-Related Fanconi Anemia. Identifiers: Orphanet 84, MedGen C1836860, MONDO:0012187, OMIM 609054.
Familial cancer of breast. Also called: BREAST CANCER, FAMILIAL; hereditary breast carcinoma; Hereditary breast cancer. Identifiers: Orphanet 227535, MedGen C0346153, MONDO:0016419, OMIM 114480. Disease mechanism: loss of function.

Submissions (2):

Labcorp Genetics (formerly Invitae), Labcorp
Classification: Pathogenic for Familial cancer of breast. Last evaluated: 2017-06-05. Review status: criteria provided, single submitter. Criteria: Invitae Variant Classification Sherloc (09022015). Collection method: clinical testing. Allele origin: germline.
Comment: This variant is an out-of-frame deletion of the genomic region encompassing exons 12-13 of the BRIP1 gene. This creates a premature translational stop signal and is expected to result in an absent or disrupted protein product. While this particular variant has not been reported in the literature, loss-of-function variants in BRIP1 are known to be pathogenic (PMID: 16116423, 17033622, 21964575). For these reasons, this variant has been classified as Pathogenic.

Labcorp Genetics (formerly Invitae), Labcorp
Classification: Pathogenic for Familial cancer of breast; Fanconi anemia complementation group J. Last evaluated: 2017-05-24. Review status: criteria provided, single submitter. Criteria: Invitae Variant Classification Sherloc (09022015). Collection method: clinical testing. Allele origin: germline.
Comment: the same text as in the submission from Labcorp Genetics (formerly Invitae), Labcorp above.

Literature cited by the submitters: PubMed 16116423; PubMed 17033622; PubMed 21964575.

NC_000017.11:g.(?_61780255)_(61781011_?)del

Gene: BRIP1 (BRCA1 interacting DNA helicase 1; minus strand). Cytogenetic location: 17q23.2.
Variant type: Deletion.
Identifiers: ClinVar variation 460659 (VCV000460659.3).